The following is an entry in ClinVar:

ClinVar aggregate classification (germline): Uncertain significance (1 of 4 stars; one submission).

Conditions:
Hereditary cancer-predisposing syndrome. Also called: Neoplastic Syndromes, Hereditary; Tumor predisposition; Hereditary Cancer Syndrome; Hereditary neoplastic syndrome. Identifiers: Orphanet 140162, MedGen C0027672, MeSH D009386, MONDO:0015356.

gnomAD v4.1: 1 of 1,612,234 alleles (0.000062%); highest among the groups gnomAD compares: Non-Finnish European, 0.000085%; no homozygotes.

Submission:

Ambry Genetics
Classification: Uncertain significance for Hereditary cancer-predisposing syndrome. Last evaluated: 2025-09-18. Review status: criteria provided, single submitter. Criteria: Ambry Variant Classification Scheme 2023. Collection method: clinical testing. Allele origin: germline.
Comment: The c.757-3C>G intronic variant results from a C to G substitution 3 nucleotides upstream from coding exon 5 in the KIT gene. This nucleotide position is well conserved in available vertebrate species. In silico splice site analysis predicts that this alteration will weaken the native splice acceptor site. Based on the available evidence, the clinical significance of this variant remains unclear.

NM_000222.3(KIT):c.757-3C>G

Gene: KIT (KIT proto-oncogene, receptor tyrosine kinase; plus strand). Cytogenetic location: 4q12.
Variant type: single nucleotide variant.
Coding change: c.757-3C>G on transcript NM_000222.3 (MANE Select); 3 bases into the intron before coding-DNA position 757, C replaced by G.
Molecular consequence: intron variant. On other transcripts: missense variant (4).
Genome position (GRCh38, 1-based): chr4:54,703,721, C>G. VCF-style: chr4-54703721-C-G. GRCh37 (hg19) VCF-style: chr4-55569887-C-G.
Other names: c.757C>G, p.Gln253Glu (NM_001385284.1, NM_001385288.1, NM_001385290.1 and 1 more transcripts); c.757-3C>G (NM_001385285.1, NM_001093772.2, NM_001385286.1); short protein forms Q253E.
Identifiers: ClinVar variation 4644950 (VCV004644950.1).